The following is an entry in ClinVar:

ClinVar aggregate classification (germline): Likely benign. Review status: criteria provided, multiple submitters, no conflicts (2 of 4 stars). 3 submissions from 3 submitters: Likely benign (2). 1 of the submissions does not count toward it. Last evaluated 2025-09-01.

Conditions:
SON-related disorder. Also called: SON-related condition.

Allele frequency attached by ClinVar (database versions not stated): TOPMed 0.00003; gnomAD exomes 0.00007; gnomAD 0.00008; ExAC 0.00011; ESP Exome Variant Server 0.00015; 1000 Genomes Project 30x 0.00016; 1000 Genomes Project 0.00020.
gnomAD v4.1: 115 of 1,614,046 alleles (0.0071%); highest among the groups gnomAD compares: South Asian, 0.018%; no homozygotes.

Submissions (3):

CeGaT Center for Human Genetics Tuebingen
Classification: Likely benign. Last evaluated: 2025-09-01. Review status: criteria provided, single submitter. Criteria: CeGaT Center For Human Genetics Tuebingen Variant Classification Criteria Version 2. Collection method: clinical testing. Allele origin: germline. Affected: yes. Observed: 1 variant allele.
Comment: SON: BP4, BS2

Labcorp Genetics (formerly Invitae), Labcorp
Classification: Likely benign. Last evaluated: 2025-01-20. Review status: criteria provided, single submitter. Criteria: Invitae Variant Classification Sherloc (09022015). Collection method: clinical testing. Allele origin: germline.

PreventionGenetics, part of Exact Sciences
Classification: Likely benign for SON-related condition. Last evaluated: 2019-06-06. Review status: no assertion criteria provided. Collection method: clinical testing. Allele origin: germline. Not counted in ClinVar's aggregate classification.
Comment: This variant is classified as likely benign based on ACMG/AMP sequence variant interpretation guidelines (Richards et al. 2015 PMID: 25741868, with internal and published modifications).

NM_138927.4(SON):c.1950G>A (p.Ala650=)

Gene: SON (SON DNA and RNA binding protein; plus strand). Cytogenetic location: 21q22.11.
Variant type: single nucleotide variant.
Coding change: c.1950G>A on transcript NM_138927.4 (MANE Select); coding-DNA position 1950, G replaced by A.
Protein change: p.Ala650=; no amino-acid change (alanine 650 retained).
Molecular consequence: synonymous variant. On other transcripts: non-coding transcript variant (1), intron variant (1).
Genome position (GRCh38, 1-based): chr21:33,551,181, G>A. VCF-style: chr21-33551181-G-A. GRCh37 (hg19) VCF-style: chr21-34923487-G-A.
Other names: c.1950G>A (NM_138927.2); c.1950G>A, p.Ala650= (NM_001291411.2, NM_001412133.1, NM_032195.3 and 2 more transcripts); c.244+4802G>A (NM_001291412.3).
Identifiers: ClinVar variation 1988883 (VCV001988883.13), dbSNP rs147979348, ClinGen allele CA10008997.
Genomic context (GRCh38, chr21:33,551,181, plus strand): 5'-GGAGTTGCCAGGGCAGCCTGGGGCGCCAGAGTTGCCTGGGCAGCCTGTGGCAACTGTGGC[G>A]CTGGAGATCTCTGTTCAGTCTGTGGTGACAACATCGGAGCTGTCAACGATGACCGTGTCG-3'
Protein context (NP_620305.3, residues 640-660): ELPGQPVATV[Ala650=]LEISVQSVVT